The following is an entry in ClinVar:

NC_000006.11:g.(65098734_65146066)_(65149246_65300115)del

Gene: EYS (EGF-like photoreceptor maintenance factor; minus strand). Cytogenetic location: 6q12.
Variant type: Deletion.
Identifiers: ClinVar variation 3339116 (VCV003339116.1).

ClinVar aggregate classification (germline): Pathogenic (1 of 4 stars; one submission).

Conditions:
Retinitis pigmentosa (RP). Identifiers: Orphanet 791, MedGen C0035334, MeSH D012174, MONDO:0019200, OMIM 268000. Inheritance: Autosomal dominant, autosomal recessive and X linked inheritance.

Submission:

Women's Health and Genetics/Laboratory Corporation of America, LabCorp
Classification: Pathogenic for Retinitis pigmentosa. Last evaluated: 2024-07-05. Review status: criteria provided, single submitter. Criteria: LabCorp Variant Classification Summary - May 2015. Collection method: clinical testing. Allele origin: germline.
Comment: Variant summary: The variant involves the deletion of exons 27-28 in the EYS gene. This Copy Number Variant (CNV) is expected to alter the reading frame and predicted to result in a truncation or absence of the encoded protein due to nonsense mediated decay (NMD). A presumed nomenclature of c.(5644+1_5645-1)_(5927+1_5928-1)del has been designated for the purposes of this classification. The variant was absent in 21694 control chromosomes (gnomAD SV database v2). To our knowledge, no occurrence of c.(5644+1_5645-1)_(5927+1_5928-1)del in individuals affected with Retinitis Pigmentosa and no experimental evidence demonstrating its impact on protein function have been reported. ClinVar contains an entry for this variant (Variation ID: 2423840). Based on the evidence outlined above, the variant was classified as pathogenic.